The following is an entry in ClinVar:

ClinVar aggregate classification (germline): Uncertain significance (1 of 4 stars; one submission).

Conditions:
Hereditary cancer-predisposing syndrome. Also called: Neoplastic Syndromes, Hereditary; Hereditary neoplastic syndrome; Hereditary Cancer Syndrome; Tumor predisposition. Identifiers: Orphanet 140162, MedGen C0027672, MeSH D009386, MONDO:0015356.

Submission:

Ambry Genetics
Classification: Uncertain significance for Hereditary cancer-predisposing syndrome. Last evaluated: 2026-04-16. Review status: criteria provided, single submitter. Criteria: Ambry Variant Classification Scheme 2023. Collection method: clinical testing. Allele origin: germline.
Comment: The p.H699Q variant (also known as c.2097T>A), located in coding exon 20 of the RB1 gene, results from a T to A substitution at nucleotide position 2097. The histidine at codon 699 is replaced by glutamine, an amino acid with highly similar properties. This amino acid position is highly conserved in available vertebrate species. In addition, this alteration is predicted to be deleterious by in silico analysis. Based on the available evidence, the clinical significance of this variant remains unclear.

NM_000321.3(RB1):c.2097T>A (p.His699Gln)

Gene: RB1 (RB transcriptional corepressor 1; plus strand). Cytogenetic location: 13q14.2.
Variant type: single nucleotide variant.
Coding change: c.2097T>A on transcript NM_000321.3 (MANE Select); coding-DNA position 2097, T replaced by A.
Protein change: p.His699Gln; replaces histidine 699 with glutamine.
Molecular consequence: missense variant.
Genome position (GRCh38, 1-based): chr13:48,459,824, T>A. VCF-style: chr13-48459824-T-A. GRCh37 (hg19) VCF-style: chr13-49033960-T-A.
Other names: short protein forms H699Q.
Identifiers: ClinVar variation 820707 (VCV000820707.5), dbSNP rs1593534809, ClinGen allele CA388166959.